The following is an entry in ClinVar:

NC_000012.12:g.121641559C>A

Gene: ORAI1 (ORAI calcium release-activated calcium modulator 1; plus strand). Cytogenetic location: 12q24.31.
Variant type: single nucleotide variant.
Genome position: GRCh38 VCF-style: chr12-121641559-C-A. GRCh37 (hg19) VCF-style: chr12-122079465-C-A.
Other names: c.822C>A, p.Asn274Lys (NM_032790.4); short protein forms N274K.
Identifiers: ClinVar variation 1475215 (VCV001475215.6), dbSNP rs782201078, ClinGen allele CA6837574.

ClinVar aggregate classification (germline): Uncertain significance (1 of 4 stars; one submission).

Conditions:
Combined immunodeficiency due to ORAI1 deficiency. Also called: IMMUNODEFICIENCY 9. Identifiers: Orphanet 169090, Orphanet 317428, MedGen C2748568, MONDO:0013007, OMIM 612782.
Myopathy, tubular aggregate, 2 (TAM2). Identifiers: MedGen C4014557, MONDO:0014383, OMIM 615883.

Allele frequency attached by ClinVar (database versions not stated): TOPMed 0.00001.

Submission:

Labcorp Genetics (formerly Invitae), Labcorp
Classification: Uncertain significance for Myopathy, tubular aggregate, 2; Combined immunodeficiency due to ORAI1 deficiency. Last evaluated: 2024-03-16. Review status: criteria provided, single submitter. Criteria: Invitae Variant Classification Sherloc (09022015). Collection method: clinical testing. Allele origin: germline.
Comment: This sequence change replaces asparagine, which is neutral and polar, with lysine, which is basic and polar, at codon 274 of the ORAI1 protein (p.Asn274Lys). This variant is present in population databases (rs782201078, gnomAD 0.002%). This variant has not been reported in the literature in individuals affected with ORAI1-related conditions. ClinVar contains an entry for this variant (Variation ID: 1475215). Experimental studies and prediction algorithms are not available or were not evaluated, and the functional significance of this variant is currently unknown. In summary, the available evidence is currently insufficient to determine the role of this variant in disease. Therefore, it has been classified as a Variant of Uncertain Significance.